The following is an entry in ClinVar:

NM_001035.3(RYR2):c.9144T>A (p.Thr3048=)

Gene: RYR2 (ryanodine receptor 2; plus strand). Cytogenetic location: 1q43.
Variant type: single nucleotide variant.
Coding change: c.9144T>A on transcript NM_001035.3 (MANE Select); coding-DNA position 9144, T replaced by A.
Protein change: p.Thr3048=; no amino-acid change (threonine 3048 retained).
Molecular consequence: synonymous variant.
Genome position (GRCh38, 1-based): chr1:237,700,244, T>A. VCF-style: chr1-237700244-T-A. GRCh37 (hg19) VCF-style: chr1-237863544-T-A.
Other names: c.9144T>A, p.Thr3048= (LRG_402t1).
Identifiers: ClinVar variation 386829 (VCV000386829.2), dbSNP rs775722742, ClinGen allele CA087840.
Genomic context (GRCh38, chr1:237,700,244, plus strand): 5'-TTGTTCCTGTTGGAAGATACGAGTCCTCCCTTATTTACTTTCTAGGACAGTGATGAAGAC[T>A]GGCCTGGAGAGTGTTAAAAGTGCACTCAGAGCTTTTCTGGACAACGCTGCAGAGGATCTG-3'
Protein context (NP_001026.2, residues 3038-3058): QTLDARTVMK[Thr3048=]GLESVKSALR

ClinVar aggregate classification (germline): Likely benign. Review status: criteria provided, multiple submitters, no conflicts (2 of 4 stars). 2 submissions from 2 submitters: Likely benign (2). Last evaluated 2025-07-23.

Conditions:
Catecholaminergic polymorphic ventricular tachycardia 1. Also called: RYR2-Related Catecholaminergic Polymorphic Ventricular Tachycardia; VENTRICULAR TACHYCARDIA, CATECHOLAMINERGIC POLYMORPHIC, 1, WITH OR WITHOUT ATRIAL DYSFUNCTION AND/OR DILATED CARDIOMYOPATHY; VENTRICULAR TACHYCARDIA, STRESS-INDUCED POLYMORPHIC 1. Identifiers: Orphanet 3286, MedGen C1631597, MONDO:0011484, OMIM 604772.

Allele frequency attached by ClinVar (database versions not stated): ExAC below 0.00001; gnomAD exomes below 0.00001 and 0.00002; gnomAD 0.00001; TOPMed 0.00002.
gnomAD v4.1: 6 of 1,566,278 alleles (0.00038%); highest among the groups gnomAD compares: Admixed American, 0.0094%; no homozygotes.

Submissions (2):

Labcorp Genetics (formerly Invitae), Labcorp
Classification: Likely benign for Catecholaminergic polymorphic ventricular tachycardia 1. Last evaluated: 2025-07-23. Review status: criteria provided, single submitter. Criteria: Invitae Variant Classification Sherloc (09022015). Collection method: clinical testing. Allele origin: germline.

GeneDx
Classification: Likely benign. Last evaluated: 2016-06-08. Review status: criteria provided, single submitter. Criteria: GeneDx Variant Classification (06012015). Collection method: clinical testing. Allele origin: germline. Affected: yes.
Comment: This variant is considered likely benign or benign based on one or more of the following criteria: it is a conservative change, it occurs at a poorly conserved position in the protein, it is predicted to be benign by multiple in silico algorithms, and/or has population frequency not consistent with disease.